The following is an entry in ClinVar:

ClinVar aggregate classification (germline): Conflicting classifications of pathogenicity. Review status: criteria provided, conflicting classifications (1 of 4 stars). 5 submissions from 5 submitters: Uncertain significance (1); Benign (1); Likely benign (3). Last evaluated 2025-04-30.

Conditions:
FLNA-related disorder.
Familial thoracic aortic aneurysm and aortic dissection (TAAD). Also called: Thoracic aortic aneurysms and dissections. Identifiers: Orphanet 91387, MedGen C4707243, MONDO:0019625.
Frontometaphyseal dysplasia (FMD1). Identifiers: Orphanet 1826, MedGen C0265293, MONDO:0015942.
Melnick-Needles syndrome (MNS). Also called: MELNICK-NEEDLES OSTEODYSPLASTY; OSTEODYSPLASTY OF MELNICK AND NEEDLES; Melnick-Needles Syndrome (FLNA-MNS). Identifiers: Orphanet 2484, MedGen C0025237, MONDO:0010650, OMIM 309350.
Heterotopia, periventricular, X-linked dominant (PVNH1). Also called: PERIVENTRICULAR NODULAR HETEROTOPIA 1; X-linked periventricular heterotopia; PERIVENTRICULAR NODULAR HETEROTOPIA 4; HETEROTOPIA, PERIVENTRICULAR, 1. Identifiers: Orphanet 2149, Orphanet 82004, MedGen C1848213, MONDO:0010233, OMIM 300049.
Oto-palato-digital syndrome, type II (OPD2). Also called: OPD II SYNDROME; FACIOPALATOOSSEOUS SYNDROME; Otopalatodigital Syndrome Type 2 (FLNA-OPD2); Otopalatodigital Syndrome, Type II. Identifiers: Orphanet 669, Orphanet 90652, MedGen C1844696, MONDO:0010571, OMIM 304120.

Submissions (5):

Labcorp Genetics (formerly Invitae), Labcorp
Classification: Benign for Oto-palato-digital syndrome, type II; Heterotopia, periventricular, X-linked dominant; Frontometaphyseal dysplasia; Melnick-Needles syndrome. Last evaluated: 2025-04-30. Review status: criteria provided, single submitter. Criteria: Invitae Variant Classification Sherloc (09022015). Collection method: clinical testing. Allele origin: germline.

PreventionGenetics, part of Exact Sciences
Classification: Likely benign for FLNA-related condition. Last evaluated: 2025-04-08. Review status: criteria provided, single submitter. Criteria: ACMG Guidelines, 2015. Collection method: clinical testing. Allele origin: germline.
Comment: This variant is classified as likely benign based on ACMG/AMP sequence variant interpretation guidelines (Richards et al. 2015 PMID: 25741868, with internal and published modifications).

Women's Health and Genetics/Laboratory Corporation of America, LabCorp
Classification: Uncertain significance. Last evaluated: 2023-12-26. Review status: criteria provided, single submitter. Criteria: LabCorp Variant Classification Summary - May 2015. Collection method: clinical testing. Allele origin: germline.

GeneDx
Classification: Likely benign. Last evaluated: 2023-08-03. Review status: criteria provided, single submitter. Criteria: GeneDx Variant Classification Process June 2021. Collection method: clinical testing. Allele origin: germline. Affected: yes.
Comment: See Variant Classification Assertion Criteria.

Ambry Genetics
Classification: Likely benign for Familial thoracic aortic aneurysm and aortic dissection. Last evaluated: 2022-11-30. Review status: criteria provided, single submitter. Criteria: Ambry Variant Classification Scheme 2023. Collection method: clinical testing. Allele origin: germline.

NM_001110556.2(FLNA):c.2405-8_2405-5dup

Gene: FLNA (filamin A; minus strand). Cytogenetic location: Xq28.
Variant type: Duplication.
Coding change: c.2405-8_2405-5dup on transcript NM_001110556.2 (MANE Select); 8 bases into the intron before coding-DNA position 2405 through 5 bases into the intron before coding-DNA position 2405, 4 bases duplicated (CGCC; older notation c.2405-8_2405-5dupCGCC).
Molecular consequence: intron variant.
Genome position (GRCh38, 1-based): chrX:154,362,583-154,362,586, GGCG duplicated on the plus strand (CGCC on the coding strand, the reverse complement: FLNA is on the minus strand); duplicating any 4 consecutive bases within chrX:154,362,583-154,362,588 gives the same sequence; the c. name uses the placement nearest the transcript's 3' end. VCF-style (leftmost placement, unchanged base first): chrX-154362582-C-CGGCG. GRCh37 (hg19) VCF-style: chrX-153590950-C-CGGCG.
Other names: c.2405-8_2405-5dupCGCC (NM_001456.3, NM_001110556.1, NM_001110556.2); c.2405-8_2405-5dup (NM_001456.4).
Identifiers: ClinVar variation 783227 (VCV000783227.14), dbSNP rs782040815, ClinGen allele CA10560928.